The following is an entry in ClinVar:

NM_001173990.3(TMEM216):c.40_41insT (p.Arg14fs)

Gene: TMEM216 (transmembrane protein 216; plus strand). Cytogenetic location: 11q12.2.
Variant type: Insertion.
Coding change: c.40_41insT on transcript NM_001173990.3 (MANE Select); coding-DNA positions 40 to 41, T inserted.
Protein change: p.Arg14fs; shifts the reading frame from arginine 14.
Molecular consequence: frameshift variant. On other transcripts: 5 prime UTR variant (2).
Genome position: GRCh38 VCF-style: chr11-61393236-C-CT. GRCh37 (hg19) VCF-style: chr11-61160708-C-CT.
Other names: c.40_41insT, p.Arg14fs (NM_001173991.3); c.-144_-143insT (NM_001330285.2, NM_016499.6); short protein forms R14fs.
Identifiers: ClinVar variation 4814685 (VCV004814685.1).

ClinVar aggregate classification (germline): Likely pathogenic (1 of 4 stars; one submission).

Conditions:
Joubert syndrome 2 (JBTS2). Also called: CEREBELLOOCULORENAL SYNDROME 2. Identifiers: Orphanet 2318, MedGen C1842577, MONDO:0011963, OMIM 608091.

Submission:

Natera, Inc.
Classification: Likely pathogenic for Joubert syndrome type 2. Last evaluated: 2025-10-20. Review status: criteria provided, single submitter. Criteria: Natera Variant Classification Schema (03/2026). Collection method: clinical testing. Allele origin: germline.
Comment: The c.40_41insT variant in TMEM216 is a frameshift variant predicted to shift the reading frame beginning at codon 14 and leads to a stop codon 18 codons downstream. This variant is expected to result in nonsense mediated decay, truncation, or a dysfunctional protein product. This variant is rare in the general population with a frequency below the threshold expected for the associated phenotype(s). Given the available evidence, this variant is classified as Likely Pathogenic.